The following is an entry in ClinVar:

ClinVar aggregate classification (germline): Uncertain significance (1 of 4 stars; one submission).

Conditions:
Glycogen storage disease, type II (IOPD). Also called: Glycogen storage disease type 2; Acid maltase deficiency disease; Aglucosidase alfa; Deficiency of alpha-glucosidase; Deficiency of lysosomal alpha-glucosidase; Glucosidase acid-1,4-alpha deficiency. Identifiers: Orphanet 365, MedGen C0017921, MONDO:0009290, OMIM 232300.

Allele frequency attached by ClinVar (database versions not stated): gnomAD exomes below 0.00001; gnomAD 0.00001; 1000 Genomes Project 30x 0.00016; 1000 Genomes Project 0.00020.
gnomAD v4.1: 2 of 1,600,366 alleles (0.00012%); highest among the groups gnomAD compares: African/African-American, 0.0013%; no homozygotes.

Submission:

Labcorp Genetics (formerly Invitae), Labcorp
Classification: Uncertain significance for Glycogen storage disease, type II. Last evaluated: 2022-07-27. Review status: criteria provided, single submitter. Criteria: Invitae Variant Classification Sherloc (09022015). Collection method: clinical testing. Allele origin: germline.
Comment: In summary, the available evidence is currently insufficient to determine the role of this variant in disease. Therefore, it has been classified as a Variant of Uncertain Significance. Advanced modeling of protein sequence and biophysical properties (such as structural, functional, and spatial information, amino acid conservation, physicochemical variation, residue mobility, and thermodynamic stability) performed at Invitae indicates that this missense variant is expected to disrupt GAA protein function. This variant has not been reported in the literature in individuals affected with GAA-related conditions. This variant is not present in population databases (gnomAD no frequency). This sequence change replaces tyrosine, which is neutral and polar, with cysteine, which is neutral and slightly polar, at codon 703 of the GAA protein (p.Tyr703Cys).

NM_000152.5(GAA):c.2108A>G (p.Tyr703Cys)

Gene: GAA (alpha glucosidase; plus strand). Cytogenetic location: 17q25.3.
Variant type: single nucleotide variant.
Coding change: c.2108A>G on transcript NM_000152.5 (MANE Select); coding-DNA position 2108, A replaced by G.
Protein change: p.Tyr703Cys; replaces tyrosine 703 with cysteine.
Molecular consequence: missense variant.
Genome position (GRCh38, 1-based): chr17:80,113,285, A>G. VCF-style: chr17-80113285-A-G. GRCh37 (hg19) VCF-style: chr17-78087084-A-G.
Other names: c.2108A>G, p.Tyr703Cys (NM_001079803.3, NM_001079804.3, NM_001406741.1 and 1 more transcripts); short protein forms Y703C.
Identifiers: ClinVar variation 1713954 (VCV001713954.6), dbSNP rs536245770, ClinGen allele CA294897382.
Genomic context (GRCh38, chr17:80,113,285, plus strand): 5'-AGCCGTACAGCTTCAGCGAGCCGGCCCAGCAGGCCATGAGGAAGGCCCTCACCCTGCGCT[A>G]CGCACTCCTCCCCCACCTCTACACACTGTTCCACCAGGCCCACGTCGCGGGGGAGACCGT-3'
Protein context (NP_000143.2, residues 693-713): QAMRKALTLR[Tyr703Cys]ALLPHLYTLF